The following is an entry in ClinVar:

NM_001146.5(ANGPT1):c.215C>G (p.Pro72Arg)

Gene: ANGPT1 (angiopoietin 1; minus strand). Cytogenetic location: 8q23.1.
Variant type: single nucleotide variant.
Coding change: c.215C>G on transcript NM_001146.5 (MANE Select); coding-DNA position 215, C replaced by G.
Protein change: p.Pro72Arg; replaces proline 72 with arginine.
Molecular consequence: missense variant.
Genome position (GRCh38, 1-based): chr8:107,497,344, G>C on the plus strand (C>G on the coding strand, the complement: ANGPT1 is on the minus strand). VCF-style: chr8-107497344-G-C. GRCh37 (hg19) VCF-style: chr8-108509572-G-C.
Other names: c.215C>G, p.Pro72Arg (NM_001199859.3); short protein forms P72R.
Identifiers: ClinVar variation 2007663 (VCV002007663.4), dbSNP rs2536914258, ClinGen allele CA372035274.

ClinVar aggregate classification (germline): Uncertain significance (1 of 4 stars; one submission).

Submission:

Labcorp Genetics (formerly Invitae), Labcorp
Classification: Uncertain significance. Last evaluated: 2023-12-18. Review status: criteria provided, single submitter. Criteria: Invitae Variant Classification Sherloc (09022015). Collection method: clinical testing. Allele origin: germline.
Comment: This sequence change replaces proline, which is neutral and non-polar, with arginine, which is basic and polar, at codon 72 of the ANGPT1 protein (p.Pro72Arg). This variant is not present in population databases (gnomAD no frequency). This variant has not been reported in the literature in individuals affected with ANGPT1-related conditions. ClinVar contains an entry for this variant (Variation ID: 2007663). An algorithm developed to predict the effect of missense changes on protein structure and function (PolyPhen-2) suggests that this variant is likely to be disruptive. In summary, the available evidence is currently insufficient to determine the role of this variant in disease. Therefore, it has been classified as a Variant of Uncertain Significance.